The following is an entry in ClinVar:

ClinVar aggregate classification (germline): Uncertain significance (1 of 4 stars; one submission).

Allele frequency attached by ClinVar (database versions not stated): gnomAD exomes below 0.00001; gnomAD 0.00001; ExAC 0.00002; TOPMed 0.00002; 1000 Genomes Project 30x 0.00016; 1000 Genomes Project 0.00020.
gnomAD v4.1: 7 of 1,614,176 alleles (0.00043%); highest among the groups gnomAD compares: East Asian, 0.016%; no homozygotes.

Submission:

GeneDx
Classification: Uncertain significance. Last evaluated: 2022-11-22. Review status: criteria provided, single submitter. Criteria: GeneDx Variant Classification Process June 2021. Collection method: clinical testing. Allele origin: germline. Affected: yes.
Comment: In silico analysis supports that this missense variant does not alter protein structure/function; Has not been previously published as pathogenic or benign to our knowledge

NM_032409.3(PINK1):c.823A>G (p.Ile275Val)

Genes: PINK1 (PTEN induced kinase 1; plus strand), PINK1-AS (PINK1 antisense RNA; minus strand). Cytogenetic location: 1p36.12.
Variant type: single nucleotide variant.
Coding change: c.823A>G on transcript NM_032409.3 (MANE Select); coding-DNA position 823, A replaced by G.
Protein change: p.Ile275Val; replaces isoleucine 275 with valine.
Molecular consequence: missense variant.
Genome position (GRCh38, 1-based): chr1:20,644,536, A>G. VCF-style: chr1-20644536-A-G. GRCh37 (hg19) VCF-style: chr1-20971029-A-G.
Other names: short protein forms I275V.
Identifiers: ClinVar variation 2502602 (VCV002502602.1), dbSNP rs544457754, ClinGen allele CA660549.